The following is an entry in ClinVar:

NM_005996.4(TBX3):c.18A>C (p.Arg6Ser)

Genes: TBX3 (T-box transcription factor 3; minus strand), TBX3-AS1 (TBX3 antisense RNA 1; plus strand). Cytogenetic location: 12q24.21.
Variant type: single nucleotide variant.
Coding change: c.18A>C on transcript NM_005996.4 (MANE Select); coding-DNA position 18, A replaced by C.
Protein change: p.Arg6Ser; replaces arginine 6 with serine.
Molecular consequence: missense variant.
Genome position (GRCh38, 1-based): chr12:114,683,183, T>G on the plus strand (A>C on the coding strand, the complement: TBX3 is on the minus strand). VCF-style: chr12-114683183-T-G. GRCh37 (hg19) VCF-style: chr12-115120988-T-G.
Other names: c.18A>C, p.Arg6Ser (NM_016569.4); short protein forms R6S.
Identifiers: ClinVar variation 4722255 (VCV004722255.1).

ClinVar aggregate classification (germline): Uncertain significance (1 of 4 stars; one submission).

Conditions:
Ulnar-mammary syndrome (UMS). Also called: PALLISTER ULNAR-MAMMARY SYNDROME; Ulnar-mammary syndrome of Pallister; SCHINZEL SYNDROME. Identifiers: Orphanet 3138, MedGen C1866994, MONDO:0008411, OMIM 181450.

Submission:

Labcorp Genetics (formerly Invitae), Labcorp
Classification: Uncertain significance for Ulnar-mammary syndrome. Last evaluated: 2025-08-13. Review status: criteria provided, single submitter. Criteria: Invitae Variant Classification Sherloc (09022015). Collection method: clinical testing. Allele origin: germline.
Comment: This sequence change replaces arginine, which is basic and polar, with serine, which is neutral and polar, at codon 6 of the TBX3 protein (p.Arg6Ser). This variant is not present in population databases (gnomAD no frequency). This variant has not been reported in the literature in individuals affected with TBX3-related conditions. An algorithm developed to predict the effect of missense changes on protein structure and function (PolyPhen-2) suggests that this variant is likely to be disruptive. In summary, the available evidence is currently insufficient to determine the role of this variant in disease. Therefore, it has been classified as a Variant of Uncertain Significance.